The following is an entry in ClinVar:

ClinVar aggregate classification (germline): Pathogenic (1 of 4 stars; one submission).

Conditions:
Neurofibromatosis, type 2 (SWNV). Also called: BILATERAL ACOUSTIC NEUROFIBROMATOSIS; SCHWANNOMATOSIS, VESTIBULAR; NF2-Related Schwannomatosis. Identifiers: Orphanet 637, MedGen C0027832, MONDO:0007039, OMIM 101000. Disease mechanism: loss of function.

Submission:

Labcorp Genetics (formerly Invitae), Labcorp
Classification: Pathogenic for Neurofibromatosis, type 2. Last evaluated: 2021-06-12. Review status: criteria provided, single submitter. Criteria: Invitae Variant Classification Sherloc (09022015). Collection method: clinical testing. Allele origin: germline.
Comment: For these reasons, this variant has been classified as Pathogenic. This variant has not been reported in the literature in individuals with NF2-related conditions. This variant is not present in population databases (ExAC no frequency). This sequence change creates a premature translational stop signal (p.Gly151Valfs*23) in the NF2 gene. It is expected to result in an absent or disrupted protein product. Loss-of-function variants in NF2 are known to be pathogenic (PMID: 9643284, 16983642).

Literature cited by the submitters: PubMed 9643284; PubMed 16983642.

NM_000268.4(NF2):c.452del (p.Gly151fs)

Gene: NF2 (NF2, moesin-ezrin-radixin like (MERLIN) tumor suppressor; plus strand). Cytogenetic location: 22q12.2.
Variant type: Deletion.
Coding change: c.452del on transcript NM_000268.4 (MANE Select); coding-DNA position 452, one base deleted (G; older notation c.452delG).
Protein change: p.Gly151fs; shifts the reading frame from glycine 151.
Molecular consequence: frameshift variant. On other transcripts: non-coding transcript variant (1), intron variant (1).
Genome position (GRCh38, 1-based): chr22:29,654,661, G deleted; the last of 2 consecutive G bases (chr22:29,654,660-29,654,661); deleting either gives the same sequence. VCF-style (leftmost placement, unchanged base first): chr22-29654659-TG-T. GRCh37 (hg19) VCF-style: chr22-30050648-TG-T.
Other names: c.452del, p.Gly151fs (NM_016418.5, NM_181825.3, NM_181832.3); c.326del, p.Gly109fs (NM_181828.3); c.329del, p.Gly110fs (NM_181829.3); c.203del, p.Gly68fs (NM_181830.3, NM_181831.3); c.447+12376del (NM_181833.3); short protein forms G68fs, G109fs, G110fs, G151fs.
Identifiers: ClinVar variation 1455832 (VCV001455832.6), dbSNP rs2146966294, ClinGen allele CA2573157854.